The following is an entry in ClinVar:

ClinVar aggregate classification (germline): Uncertain significance (1 of 4 stars; one submission).

gnomAD v4.1: 5 of 1,613,948 alleles (0.00031%); highest among the groups gnomAD compares: East Asian, 0.011%; no homozygotes.

Submission:

GeneDx
Classification: Uncertain significance. Last evaluated: 2025-03-16. Review status: criteria provided, single submitter. Criteria: GeneDx Variant Classification Process June 2021. Collection method: clinical testing. Allele origin: germline. Affected: yes.
Comment: Not observed at significant frequency in large population cohorts (gnomAD); In silico analysis supports that this missense variant has a deleterious effect on protein structure/function; Has not been previously published as pathogenic or benign to our knowledge

NM_000384.3(APOB):c.3116C>G (p.Ala1039Gly)

Gene: APOB (apolipoprotein B; minus strand). Cytogenetic location: 2p24.1.
Variant type: single nucleotide variant.
Coding change: c.3116C>G on transcript NM_000384.3 (MANE Select); coding-DNA position 3116, C replaced by G.
Protein change: p.Ala1039Gly; replaces alanine 1039 with glycine.
Molecular consequence: missense variant.
Genome position (GRCh38, 1-based): chr2:21,018,997, G>C on the plus strand (C>G on the coding strand, the complement: APOB is on the minus strand). VCF-style: chr2-21018997-G-C. GRCh37 (hg19) VCF-style: chr2-21241869-G-C.
Other names: short protein forms A1039G.
Identifiers: ClinVar variation 4086544 (VCV004086544.1).